The following is an entry in ClinVar:

ClinVar aggregate classification (germline): Uncertain significance. Review status: criteria provided, multiple submitters, no conflicts (2 of 4 stars). 2 submissions from 2 submitters: Uncertain significance (2). Last evaluated 2023-05-01.

Conditions:
Noonan syndrome and Noonan-related syndrome. Identifiers: Orphanet 98733, MedGen C5681679, MONDO:0020297.

Allele frequency attached by ClinVar (database versions not stated): gnomAD exomes below 0.00001.
gnomAD v4.1: 1 of 1,527,262 alleles (0.000065%); highest among the groups gnomAD compares: Middle Eastern, 0.023%; no homozygotes.

Submissions (2):

CeGaT Center for Human Genetics Tuebingen
Classification: Uncertain significance. Last evaluated: 2023-05-01. Review status: criteria provided, single submitter. Criteria: CeGaT Center For Human Genetics Tuebingen Variant Classification Criteria Version 2. Collection method: clinical testing. Allele origin: germline. Affected: yes. Observed: 1 variant allele.
Comment: BRAF: PM2, PP2

Genome Diagnostics Laboratory, The Hospital for Sick Children
Classification: Uncertain significance for Noonan syndrome and Noonan-related syndrome. Last evaluated: 2019-12-01. Review status: criteria provided, single submitter. Criteria: ACMG Guidelines, 2015. Collection method: clinical testing. Allele origin: germline.

NM_004333.6(BRAF):c.98C>T (p.Ala33Val)

Gene: BRAF (B-Raf proto-oncogene, serine/threonine kinase; minus strand). Cytogenetic location: 7q34.
Variant type: single nucleotide variant.
Coding change: c.98C>T on transcript NM_004333.6 (MANE Select); coding-DNA position 98, C replaced by T.
Protein change: p.Ala33Val; replaces alanine 33 with valine.
Molecular consequence: missense variant.
Genome position (GRCh38, 1-based): chr7:140,924,606, G>A on the plus strand (C>T on the coding strand, the complement: BRAF is on the minus strand). VCF-style: chr7-140924606-G-A. GRCh37 (hg19) VCF-style: chr7-140624406-G-A.
Other names: c.98C>T, p.Ala33Val (NM_001354609.2, NM_001374244.1, NM_001374258.1 and 7 more transcripts); short protein forms A33V.
Identifiers: ClinVar variation 1334221 (VCV001334221.27), dbSNP rs2129153230, ClinGen allele CA369590103.